The following is an entry in ClinVar:

NM_002691.4(POLD1):c.688G>T (p.Gly230Cys)

Gene: POLD1 (DNA polymerase delta 1, catalytic subunit; plus strand). Cytogenetic location: 19q13.33.
Variant type: single nucleotide variant.
Coding change: c.688G>T on transcript NM_002691.4 (MANE Select); coding-DNA position 688, G replaced by T.
Protein change: p.Gly230Cys; replaces glycine 230 with cysteine.
Molecular consequence: missense variant. On other transcripts: non-coding transcript variant (1).
Genome position (GRCh38, 1-based): chr19:50,402,303, G>T. VCF-style: chr19-50402303-G-T. GRCh37 (hg19) VCF-style: chr19-50905560-G-T.
Other names: c.688G>T, p.Gly230Cys (NM_001256849.1, NM_001308632.1); short protein forms G230C.
Identifiers: ClinVar variation 3006947 (VCV003006947.3), dbSNP rs2513963922, ClinGen allele CA406974360.
Genomic context (GRCh38, chr19:50,402,303, plus strand): 5'-CTGCGCATCACCGTGGCGCTGCCGCGCCTCGTGGCCCCGGCCCGCCGTCTCCTGGAACAG[G>T]GCATCCGTGTGGCAGGCCTGGGCACGCCCAGCTTCGCGCCCTACGAGGCCAACGTCGACT-3'
Protein context (NP_002682.2, residues 220-240): VAPARRLLEQ[Gly230Cys]IRVAGLGTPS

ClinVar aggregate classification (germline): Uncertain significance (1 of 4 stars; one submission).

Conditions:
POLD1-related polyposis and colorectal cancer syndrome (CRCS10). Also called: Colorectal cancer 10; COLORECTAL CANCER, SUSCEPTIBILITY TO, ON CHROMOSOME 19q; Colorectal cancer, susceptibility to, 10. Identifiers: Orphanet 220460, MedGen C2675481, MONDO:0012953, OMIM 612591.

Submission:

Labcorp Genetics (formerly Invitae), Labcorp
Classification: Uncertain significance for POLD1-related polyposis and colorectal cancer syndrome. Last evaluated: 2023-04-29. Review status: criteria provided, single submitter. Criteria: Invitae Variant Classification Sherloc (09022015). Collection method: clinical testing. Allele origin: germline.
Comment: This sequence change replaces glycine, which is neutral and non-polar, with cysteine, which is neutral and slightly polar, at codon 230 of the POLD1 protein (p.Gly230Cys). In summary, the available evidence is currently insufficient to determine the role of this variant in disease. Therefore, it has been classified as a Variant of Uncertain Significance. Advanced modeling of protein sequence and biophysical properties (such as structural, functional, and spatial information, amino acid conservation, physicochemical variation, residue mobility, and thermodynamic stability) has been performed at Invitae for this missense variant, however the output from this modeling did not meet the statistical confidence thresholds required to predict the impact of this variant on POLD1 protein function. This variant has not been reported in the literature in individuals affected with POLD1-related conditions. This variant is not present in population databases (gnomAD no frequency).